The following is an entry in ClinVar:

NM_001171.6(ABCC6):c.3735+9C>T

Gene: ABCC6 (ATP binding cassette subfamily C member 6; minus strand). Cytogenetic location: 16p13.11.
Variant type: single nucleotide variant.
Coding change: c.3735+9C>T on transcript NM_001171.6 (MANE Select); 9 bases into the intron after coding-DNA position 3735, C replaced by T.
Molecular consequence: intron variant.
Genome position (GRCh38, 1-based): chr16:16,159,473, G>A on the plus strand (C>T on the coding strand, the complement: ABCC6 is on the minus strand). VCF-style: chr16-16159473-G-A. GRCh37 (hg19) VCF-style: chr16-16253330-G-A.
Other names: c.3393+9C>T (NM_001351800.1); c.3735+9C>T (NM_001171.5).
Identifiers: ClinVar variation 1451901 (VCV001451901.11), dbSNP rs199786977, ClinGen allele CA7925470.

ClinVar aggregate classification (germline): Likely benign. Review status: criteria provided, multiple submitters, no conflicts (2 of 4 stars). 3 submissions from 3 submitters: Likely benign (2). 1 of the submissions does not count toward it. Last evaluated 2025-07-29.

Conditions:
ABCC6-related disorder. Also called: ABCC6-related condition.

Allele frequency attached by ClinVar (database versions not stated): ESP Exome Variant Server 0.00008; gnomAD 0.00008 and 0.00009; 1000 Genomes Project 30x 0.00016; 1000 Genomes Project 0.00020.
gnomAD v4.1: 85 of 1,603,426 alleles (0.0053%); highest among the groups gnomAD compares: East Asian, 0.072%; no homozygotes.

Submissions (3):

Labcorp Genetics (formerly Invitae), Labcorp
Classification: Likely benign. Last evaluated: 2025-07-29. Review status: criteria provided, single submitter. Criteria: Invitae Variant Classification Sherloc (09022015). Collection method: clinical testing. Allele origin: germline.

Blueprint Genetics
Classification: Likely benign. Last evaluated: 2024-11-05. Review status: criteria provided, single submitter. Criteria: ACMG Guidelines, 2015. Collection method: clinical testing. Allele origin: germline.

PreventionGenetics, part of Exact Sciences
Classification: Likely benign for ABCC6-related condition. Last evaluated: 2019-08-15. Review status: no assertion criteria provided. Collection method: clinical testing. Allele origin: germline. Not counted in ClinVar's aggregate classification.
Comment: This variant is classified as likely benign based on ACMG/AMP sequence variant interpretation guidelines (Richards et al. 2015 PMID: 25741868, with internal and published modifications).